The following is an entry in ClinVar:

ClinVar aggregate classification (germline): Uncertain significance (1 of 4 stars; one submission).

Conditions:
Xeroderma pigmentosum, group F (XPF). Also called: ERCC4-Related Xeroderma Pigmentosum; XERODERMA PIGMENTOSUM, COMPLEMENTATION GROUP F; XERODERMA PIGMENTOSUM VI; XP, GROUP F; XERODERMA PIGMENTOSUM, TYPE F; Xeroderma pigmentosum, type 6. Identifiers: MedGen C0268140, MONDO:0010215, OMIM 278760.
Fanconi anemia complementation group Q. Identifiers: Orphanet 84, MedGen C3808988, MONDO:0014108, OMIM 615272.
Cockayne syndrome. Identifiers: Orphanet 191, MedGen C0009207, MONDO:0016006.

Allele frequency attached by ClinVar (database versions not stated): TOPMed 0.00001; gnomAD 0.00003.
gnomAD v4.1: 7 of 1,613,194 alleles (0.00043%); highest among the groups gnomAD compares: African/African-American, 0.0093%; no homozygotes.

Submission:

Labcorp Genetics (formerly Invitae), Labcorp
Classification: Uncertain significance for Fanconi anemia complementation group Q; Xeroderma pigmentosum, group F; Cockayne syndrome. Last evaluated: 2023-06-15. Review status: criteria provided, single submitter. Criteria: Invitae Variant Classification Sherloc (09022015). Collection method: clinical testing. Allele origin: germline.
Comment: In summary, the available evidence is currently insufficient to determine the role of this variant in disease. Therefore, it has been classified as a Variant of Uncertain Significance. Advanced modeling of protein sequence and biophysical properties (such as structural, functional, and spatial information, amino acid conservation, physicochemical variation, residue mobility, and thermodynamic stability) performed at Invitae indicates that this missense variant is expected to disrupt ERCC4 protein function. This variant has not been reported in the literature in individuals affected with ERCC4-related conditions. This variant is present in population databases (no rsID available, gnomAD 0.02%). This sequence change replaces serine, which is neutral and polar, with tyrosine, which is neutral and polar, at codon 283 of the ERCC4 protein (p.Ser283Tyr).

NM_005236.3(ERCC4):c.848C>A (p.Ser283Tyr)

Gene: ERCC4 (ERCC excision repair 4, endonuclease catalytic subunit; plus strand). Cytogenetic location: 16p13.12.
Variant type: single nucleotide variant.
Coding change: c.848C>A on transcript NM_005236.3 (MANE Select); coding-DNA position 848, C replaced by A.
Protein change: p.Ser283Tyr; replaces serine 283 with tyrosine.
Molecular consequence: missense variant.
Genome position (GRCh38, 1-based): chr16:13,930,765, C>A. VCF-style: chr16-13930765-C-A. GRCh37 (hg19) VCF-style: chr16-14024622-C-A.
Other names: short protein forms S283Y.
Identifiers: ClinVar variation 2926921 (VCV002926921.3), dbSNP rs917066081, ClinGen allele CA278466690.